The following is an entry in ClinVar:

ClinVar aggregate classification (germline): Likely benign. Review status: criteria provided, single submitter (1 of 4 stars). 2 submissions from 2 submitters: Likely benign (1). 1 of the submissions does not count toward it. Last evaluated 2024-07-01.

Conditions:
STK36-related disorder. Also called: STK36-related condition.

Allele frequency attached by ClinVar (database versions not stated): gnomAD exomes 0.00010; ExAC 0.00038; gnomAD 0.00098; 1000 Genomes Project 0.00100; TOPMed 0.00112; ESP Exome Variant Server 0.00123; 1000 Genomes Project 30x 0.00141.
gnomAD v4.1: 303 of 1,614,218 alleles (0.019%); highest among the groups gnomAD compares: African/African-American, 0.36%; 1 homozygote.

Submissions (2):

Blueprint Genetics
Classification: Likely benign. Last evaluated: 2024-07-01. Review status: criteria provided, single submitter. Criteria: ACMG Guidelines, 2015. Collection method: clinical testing. Allele origin: germline.

PreventionGenetics, part of Exact Sciences
Classification: Likely benign for STK36-related condition. Last evaluated: 2023-09-16. Review status: no assertion criteria provided. Collection method: clinical testing. Allele origin: germline. Not counted in ClinVar's aggregate classification.
Comment: This variant is classified as likely benign based on ACMG/AMP sequence variant interpretation guidelines (Richards et al. 2015 PMID: 25741868, with internal and published modifications).

NM_015690.5(STK36):c.2880C>T (p.Cys960=)

Gene: STK36 (serine/threonine kinase 36; plus strand). Cytogenetic location: 2q35.
Variant type: single nucleotide variant.
Coding change: c.2880C>T on transcript NM_015690.5 (MANE Select); coding-DNA position 2880, C replaced by T.
Protein change: p.Cys960=; no amino-acid change (cysteine 960 retained).
Molecular consequence: synonymous variant.
Genome position (GRCh38, 1-based): chr2:218,697,581, C>T. VCF-style: chr2-218697581-C-T. GRCh37 (hg19) VCF-style: chr2-219562304-C-T.
Other names: c.2817C>T, p.Cys939= (NM_001243313.2); c.2880C>T, p.Cys960= (NM_001369423.1).
Identifiers: ClinVar variation 3054035 (VCV003054035.3), dbSNP rs79255300, ClinGen allele CA2111278.